The following is an entry in ClinVar:

NM_177438.3(DICER1):c.1253A>T (p.Asp418Val)

Gene: DICER1 (dicer 1, ribonuclease III; minus strand). Cytogenetic location: 14q32.13.
Variant type: single nucleotide variant.
Coding change: c.1253A>T on transcript NM_177438.3 (MANE Select); coding-DNA position 1253, A replaced by T.
Protein change: p.Asp418Val; replaces aspartic acid 418 with valine.
Molecular consequence: missense variant. On other transcripts: non-coding transcript variant (6), 5 prime UTR variant (1).
Genome position (GRCh38, 1-based): chr14:95,124,319, T>A on the plus strand (A>T on the coding strand, the complement: DICER1 is on the minus strand). VCF-style: chr14-95124319-T-A. GRCh37 (hg19) VCF-style: chr14-95590656-T-A.
Other names: c.1253A>T, p.Asp418Val (NM_001395700.1, NM_030621.4, NM_001195573.1 and 14 more transcripts); c.971A>T, p.Asp324Val (NM_001395686.1); c.848A>T, p.Asp283Val (NM_001395687.1, NM_001395688.1, NM_001395689.1 and 3 more transcripts); c.686A>T, p.Asp229Val (NM_001395691.1); c.-316A>T (NM_001395697.1); short protein forms D229V, D283V, D324V, D418V.
Identifiers: ClinVar variation 5035298 (VCV005035298.1).
Genomic context (GRCh38, chr14:95,124,319, plus strand): 5'-AAAGGAGAAGGAAAATTTGTCTCTGGCTTCTCTTTTTCTTCAATTTCTTCATCCTCATCA[T>A]CATCCTCAGAATCACTCCATGACACATAATTATCCTGATTTCTATTATTATACCACTCAA-3'
Protein context (NP_803187.1, residues 408-428): NYVSWSDSED[Asp418Val]DEDEEIEEKE

ClinVar aggregate classification (germline): Uncertain significance (1 of 4 stars; one submission).

Conditions:
Hereditary cancer-predisposing syndrome. Also called: Hereditary Cancer Syndrome; Neoplastic Syndromes, Hereditary; Tumor predisposition; Hereditary neoplastic syndrome. Identifiers: Orphanet 140162, MedGen C0027672, MeSH D009386, MONDO:0015356.

Submission:

Ambry Genetics
Classification: Uncertain significance for Hereditary cancer-predisposing syndrome. Last evaluated: 2026-07-23. Review status: criteria provided, single submitter. Criteria: Ambry Variant Classification Scheme 2023. Collection method: clinical testing. Allele origin: germline.
Comment: The p.D418V variant (also known as c.1253A>T), located in coding exon 7 of the DICER1 gene, results from an A to T substitution at nucleotide position 1253. The aspartic acid at codon 418 is replaced by valine, an amino acid with highly dissimilar properties. This amino acid position is conserved. In addition, this alteration is predicted to be tolerated by in silico analysis. Based on the available evidence, the clinical significance of this variant remains unclear.